The following is an entry in ClinVar:

NM_003331.5(TYK2):c.880C>T (p.Arg294Trp)

Gene: TYK2 (tyrosine kinase 2; minus strand). Cytogenetic location: 19p13.2.
Variant type: single nucleotide variant.
Coding change: c.880C>T on transcript NM_003331.5 (MANE Select); coding-DNA position 880, C replaced by T.
Protein change: p.Arg294Trp; replaces arginine 294 with tryptophan.
Molecular consequence: missense variant.
Genome position (GRCh38, 1-based): chr19:10,365,648, G>A on the plus strand (C>T on the coding strand, the complement: TYK2 is on the minus strand). VCF-style: chr19-10365648-G-A. GRCh37 (hg19) VCF-style: chr19-10476324-G-A.
Other names: c.880C>T, p.Arg294Trp (NM_001385197.1, NM_001385198.1, NM_001385199.1 and 8 more transcripts); c.790C>T, p.Arg264Trp (NM_001385205.1); short protein forms R264W, R294W.
Identifiers: ClinVar variation 2373248 (VCV002373248.4), dbSNP rs367656874, ClinGen allele CA9193588.

ClinVar aggregate classification (germline): Uncertain significance. Review status: criteria provided, multiple submitters, no conflicts (2 of 4 stars). 2 submissions from 2 submitters: Uncertain significance (2). Last evaluated 2024-11-30.

Conditions:
Inborn genetic diseases. Identifiers: MedGen C0950123, MeSH D030342.
Immunodeficiency 35 (IMD35). Also called: HIES WITH ATYPICAL MYCOBACTERIOSIS, AUTOSOMAL RECESSIVE; HYPER-IgE SYNDROME WITH ATYPICAL MYCOBACTERIOSIS, AUTOSOMAL RECESSIVE; TYK2 DEFICIENCY; Susceptibility to infection due to TYK2 deficiency. Identifiers: Orphanet 331226, MedGen C1969086, MONDO:0012682, OMIM 611521.

Allele frequency attached by ClinVar (database versions not stated): gnomAD exomes 0.00002; ExAC 0.00003; gnomAD 0.00003; TOPMed 0.00005; ESP Exome Variant Server 0.00008.
gnomAD v4.1: 26 of 1,613,532 alleles (0.0016%); highest among the groups gnomAD compares: Admixed American, 0.027%; no homozygotes.

Submissions (2):

Labcorp Genetics (formerly Invitae), Labcorp
Classification: Uncertain significance for Immunodeficiency 35. Last evaluated: 2024-11-30. Review status: criteria provided, single submitter. Criteria: Invitae Variant Classification Sherloc (09022015). Collection method: clinical testing. Allele origin: germline.
Comment: This sequence change replaces arginine, which is basic and polar, with tryptophan, which is neutral and slightly polar, at codon 294 of the TYK2 protein (p.Arg294Trp). This variant is present in population databases (rs367656874, gnomAD 0.03%). This variant has not been reported in the literature in individuals affected with TYK2-related conditions. ClinVar contains an entry for this variant (Variation ID: 2373248). An algorithm developed to predict the effect of missense changes on protein structure and function (PolyPhen-2) suggests that this variant is likely to be disruptive. In summary, the available evidence is currently insufficient to determine the role of this variant in disease. Therefore, it has been classified as a Variant of Uncertain Significance.

Ambry Genetics
Classification: Uncertain significance for Inborn genetic diseases. Last evaluated: 2024-06-16. Review status: criteria provided, single submitter. Criteria: Ambry Variant Classification Scheme 2023. Collection method: clinical testing. Allele origin: germline.